The following is an entry in ClinVar:

ClinVar aggregate classification (germline): Likely pathogenic (1 of 4 stars; one submission).

Conditions:
Trichorhinophalangeal syndrome, type III (TRPS3). Also called: SUGIO-KAJII SYNDROME. Identifiers: Orphanet 77258, MedGen C1860823, OMIM 190351, MONDO:0008597.
Trichorhinophalangeal dysplasia type I (TRPS1). Also called: TRPS I; TRICHORHINOPHALANGEAL SYNDROME, TYPE I. Identifiers: Orphanet 77258, MedGen C0432233, MONDO:0008596, OMIM 190350.

Submission:

Labcorp Genetics (formerly Invitae), Labcorp
Classification: Likely pathogenic for Trichorhinophalangeal syndrome, type III; Trichorhinophalangeal dysplasia type I. Last evaluated: 2019-09-03. Review status: criteria provided, single submitter. Criteria: Invitae Variant Classification Sherloc (09022015). Collection method: clinical testing. Allele origin: germline.
Comment: This variant results in the deletion of part of exon 4 (c.1919_2096+2929del) of the TRPS1 gene. It is expected to disrupt RNA splicing and likely results in an absent or disrupted protein product. This variant has not been reported in the literature in individuals with TRPS1-related conditions. Loss-of-function variants in TRPS1 are known to be pathogenic (PMID: 11112658). In summary, the currently available evidence indicates that the variant is pathogenic, but additional data are needed to prove that conclusively. Therefore, this variant has been classified as Likely Pathogenic.

NM_014112.5(TRPS1):c.1919_2096+2929del

Gene: TRPS1 (transcriptional repressor GATA binding 1; minus strand). Cytogenetic location: 8q23.3.
Variant type: Deletion.
Coding change: c.1919_2096+2929del on transcript NM_014112.5 (MANE Select); coding-DNA position 1919 through 2929 bases into the intron after coding-DNA position 2096, 3,107 bases deleted.
Molecular consequence: splice donor variant.
Genome position (GRCh38, 1-based): chr8:115,600,944-115,604,050, 3,107 bases deleted. GRCh37 (hg19): chr8:116,613,174-116,616,280.
Other names: c.1880_2057+2929del (NM_001330599.2); c.1898_2075+2929del (NM_001282903.3); c.1892_2069+2929del (NM_001282902.3).
Identifiers: ClinVar variation 956165 (VCV000956165.1), ClinGen allele CA1139660707.